The following is an entry in ClinVar:

ClinVar aggregate classification (germline): Uncertain significance. Review status: criteria provided, multiple submitters, no conflicts (2 of 4 stars). 2 submissions from 2 submitters: Uncertain significance (2). Last evaluated 2025-12-16.

Allele frequency attached by ClinVar (database versions not stated): 1000 Genomes Project 0.00040; 1000 Genomes Project 30x 0.00047; ESP Exome Variant Server 0.00062; TOPMed 0.00066; gnomAD 0.00068; ExAC 0.00073.
gnomAD v4.1: 2,281 of 1,614,116 alleles (0.14%); highest among the groups gnomAD compares: Non-Finnish European, 0.18%; 3 homozygotes.

Submissions (2):

Labcorp Genetics (formerly Invitae), Labcorp
Classification: Uncertain significance. Last evaluated: 2025-12-16. Review status: criteria provided, single submitter. Criteria: Invitae Variant Classification Sherloc (09022015). Collection method: clinical testing. Allele origin: germline.
Comment: This sequence change replaces arginine, which is basic and polar, with cysteine, which is neutral and slightly polar, at codon 591 of the CEP97 protein (p.Arg591Cys). This variant is present in population databases (rs146288985, gnomAD 0.1%), and has an allele count higher than expected for a pathogenic variant. This variant has not been reported in the literature in individuals affected with CEP97-related conditions. ClinVar contains an entry for this variant (Variation ID: 2052035). Invitae Evidence Modeling of protein sequence and biophysical properties (such as structural, functional, and spatial information, amino acid conservation, physicochemical variation, residue mobility, and thermodynamic stability) indicates that this missense variant is not expected to disrupt CEP97 protein function with a negative predictive value of 80%. In summary, the available evidence is currently insufficient to determine the role of this variant in disease. Therefore, it has been classified as a Variant of Uncertain Significance.

Ambry Genetics
Classification: Uncertain significance. Last evaluated: 2021-08-17. Review status: criteria provided, single submitter. Criteria: Ambry Variant Classification Scheme 2023. Collection method: clinical testing. Allele origin: germline.

NM_024548.4(CEP97):c.1771C>T (p.Arg591Cys)

Gene: CEP97 (centrosomal protein 97; plus strand). Cytogenetic location: 3q12.3.
Variant type: single nucleotide variant.
Coding change: c.1771C>T on transcript NM_024548.4 (MANE Select); coding-DNA position 1771, C replaced by T.
Protein change: p.Arg591Cys; replaces arginine 591 with cysteine.
Molecular consequence: missense variant.
Genome position (GRCh38, 1-based): chr3:101,758,377, C>T. VCF-style: chr3-101758377-C-T. GRCh37 (hg19) VCF-style: chr3-101477221-C-T.
Other names: c.1771C>T (NM_024548.2); c.1594C>T, p.Arg532Cys (NM_001303401.2); c.1669C>T, p.Arg557Cys (NM_001410784.1); c.1492C>T, p.Arg498Cys (NM_001410785.1); short protein forms R591C, R557C, R498C, R532C.
Identifiers: ClinVar variation 2052035 (VCV002052035.5), dbSNP rs146288985, ClinGen allele CA2522179.